The following is an entry in ClinVar:

ClinVar aggregate classification (germline): Uncertain significance (1 of 4 stars; one submission).

Submission:

Labcorp Genetics (formerly Invitae), Labcorp
Classification: Uncertain significance. Last evaluated: 2024-11-19. Review status: criteria provided, single submitter. Criteria: Invitae Variant Classification Sherloc (09022015). Collection method: clinical testing. Allele origin: germline.
Comment: This sequence change replaces histidine, which is basic and polar, with tyrosine, which is neutral and polar, at codon 221 of the NDUFA9 protein (p.His221Tyr). This variant is not present in population databases (gnomAD no frequency). This variant has not been reported in the literature in individuals affected with NDUFA9-related conditions. An algorithm developed to predict the effect of missense changes on protein structure and function (PolyPhen-2) suggests that this variant is likely to be tolerated. In summary, the available evidence is currently insufficient to determine the role of this variant in disease. Therefore, it has been classified as a Variant of Uncertain Significance.

NM_005002.5(NDUFA9):c.661C>T (p.His221Tyr)

Gene: NDUFA9 (NADH:ubiquinone oxidoreductase subunit A9; plus strand). Cytogenetic location: 12p13.32.
Variant type: single nucleotide variant.
Coding change: c.661C>T on transcript NM_005002.5 (MANE Select); coding-DNA position 661, C replaced by T.
Protein change: p.His221Tyr; replaces histidine 221 with tyrosine.
Molecular consequence: missense variant.
Genome position (GRCh38, 1-based): chr12:4,668,462, C>T. VCF-style: chr12-4668462-C-T. GRCh37 (hg19) VCF-style: chr12-4777628-C-T.
Other names: short protein forms H221Y.
Identifiers: ClinVar variation 3722536 (VCV003722536.2).